The following is an entry in ClinVar:

ClinVar aggregate classification (germline): Uncertain significance (1 of 4 stars; one submission).

Submission:

GeneDx
Classification: Uncertain significance. Last evaluated: 2024-06-14. Review status: criteria provided, single submitter. Criteria: GeneDx Variant Classification Process June 2021. Collection method: clinical testing. Allele origin: germline. Affected: yes.
Comment: Not observed at significant frequency in large population cohorts (gnomAD); In silico analysis supports that this missense variant has a deleterious effect on protein structure/function; Has not been previously published as pathogenic or benign to our knowledge

NM_020247.5(COQ8A):c.1847C>T (p.Ser616Phe)

Gene: COQ8A (coenzyme Q8A; plus strand). Cytogenetic location: 1q42.13.
Variant type: single nucleotide variant.
Coding change: c.1847C>T on transcript NM_020247.5 (MANE Select); coding-DNA position 1847, C replaced by T.
Protein change: p.Ser616Phe; replaces serine 616 with phenylalanine.
Molecular consequence: missense variant.
Genome position (GRCh38, 1-based): chr1:226,986,640, C>T. VCF-style: chr1-226986640-C-T. GRCh37 (hg19) VCF-style: chr1-227174341-C-T.
Other names: short protein forms S616F.
Identifiers: ClinVar variation 3390391 (VCV003390391.1).